The following is an entry in ClinVar:

ClinVar aggregate classification (germline): Uncertain significance (1 of 4 stars; one submission).

Conditions:
Hepatic veno-occlusive disease-immunodeficiency syndrome. Also called: Hepatic Veno-Occlusive Disease with Immunodeficiency. Identifiers: Orphanet 79124, MedGen C1856128, MONDO:0009338, OMIM 235550. Disease mechanism: loss of function.

gnomAD v4.1: 21 of 1,614,002 alleles (0.0013%); highest among the groups gnomAD compares: Non-Finnish European, 0.0017%; no homozygotes.

Submission:

Labcorp Genetics (formerly Invitae), Labcorp
Classification: Uncertain significance for Hepatic veno-occlusive disease-immunodeficiency syndrome. Last evaluated: 2023-07-10. Review status: criteria provided, single submitter. Criteria: Invitae Variant Classification Sherloc (09022015). Collection method: clinical testing. Allele origin: germline.
Comment: This variant has not been reported in the literature in individuals affected with SP110-related conditions. This sequence change replaces arginine, which is basic and polar, with glycine, which is neutral and non-polar, at codon 554 of the SP110 protein (p.Arg554Gly). This variant is present in population databases (rs200559722, gnomAD 0.004%). An algorithm developed to predict the effect of missense changes on protein structure and function (PolyPhen-2) suggests that this variant is likely to be disruptive. In summary, the available evidence is currently insufficient to determine the role of this variant in disease. Therefore, it has been classified as a Variant of Uncertain Significance.

NM_080424.4(SP110):c.1660C>G (p.Arg554Gly)

Gene: SP110 (SP110 nuclear body protein; minus strand). Cytogenetic location: 2q37.1.
Variant type: single nucleotide variant.
Coding change: c.1660C>G on transcript NM_080424.4 (MANE Select); coding-DNA position 1660, C replaced by G.
Protein change: p.Arg554Gly; replaces arginine 554 with glycine.
Molecular consequence: missense variant.
Genome position (GRCh38, 1-based): chr2:230,172,890, G>C on the plus strand (C>G on the coding strand, the complement: SP110 is on the minus strand). VCF-style: chr2-230172890-G-C. GRCh37 (hg19) VCF-style: chr2-231037606-G-C.
Other names: c.1678C>G, p.Arg560Gly (NM_001378442.1, NM_001378444.1, NM_001378445.1 and 1 more transcripts); c.1660C>G, p.Arg554Gly (NM_001378443.1, NM_004509.5); short protein forms R554G, R560G.
Identifiers: ClinVar variation 2712824 (VCV002712824.2), dbSNP rs200559722, ClinGen allele CA2154390.
Genomic context (GRCh38, chr2:230,172,890, plus strand): 5'-TGCATCCCACTCACCTCTTGGCTTCCACAGGGGGGATGTGACAGTCCTCATGGAAGACTC[G>C]TGGACAAGTACCGCAGCAGAGAAGTTGTCCCCCTTGACAGCACACCTCGCATTCATCCGA-3'
Protein context (NP_536349.3, residues 544-564): GQLLCCGTCP[Arg554Gly]VFHEDCHIPP